The following is an entry in ClinVar:

NM_152490.5(B3GALNT2):c.16G>A (p.Val6Met)

Gene: B3GALNT2 (beta-1,3-N-acetylgalactosaminyltransferase 2; minus strand). Cytogenetic location: 1q42.3.
Variant type: single nucleotide variant.
Coding change: c.16G>A on transcript NM_152490.5 (MANE Select); coding-DNA position 16, G replaced by A.
Protein change: p.Val6Met; replaces valine 6 with methionine.
Molecular consequence: missense variant.
Genome position (GRCh38, 1-based): chr1:235,504,237, C>T on the plus strand (G>A on the coding strand, the complement: B3GALNT2 is on the minus strand). VCF-style: chr1-235504237-C-T. GRCh37 (hg19) VCF-style: chr1-235667537-C-T.
Other names: c.16G>A, p.Val6Met (NM_001277155.3); short protein forms V6M.
Identifiers: ClinVar variation 1487531 (VCV001487531.6), dbSNP rs2102880612, ClinGen allele CA344937679.
Genomic context (GRCh38, chr1:235,504,237, plus strand): 5'-GGGAGCGCAGCCGCAGCCAGAGGTGCAGCGCGGCCCCGAGCACACACGGGCACAGCAGCA[C>T]CAGCCAGTTTCGCATTGGCCGCCCCCGCCGCGAGCCGGGCTCTCCCGCGTCCCGGCGGAG-3'
Protein context (NP_689703.1, residues 1-16): MRNWL[Val6Met]LLCPCVLGAA

ClinVar aggregate classification (germline): Uncertain significance (1 of 4 stars; one submission).

Conditions:
Muscular dystrophy-dystroglycanopathy (congenital with brain and eye anomalies), type a, 11 (MDDGA11). Also called: WALKER-WARBURG SYNDROME OR MUSCLE-EYE-BRAIN DISEASE, B3GALNT2-RELATED; Congenital muscular dystrophy-dystroglycanopathy with brain and eye anomalies, type A11; Muscular dystrophy-dystroglycanopathy (congenital with brain and eye anomalies, type A, 11. Identifiers: Orphanet 588, Orphanet 899, MedGen C3554638, MONDO:0014071, OMIM 615181.

Submission:

Labcorp Genetics (formerly Invitae), Labcorp
Classification: Uncertain significance for Muscular dystrophy-dystroglycanopathy (congenital with brain and eye anomalies), type a, 11. Last evaluated: 2021-10-16. Review status: criteria provided, single submitter. Criteria: Invitae Variant Classification Sherloc (09022015). Collection method: clinical testing. Allele origin: germline.
Comment: Algorithms developed to predict the effect of missense changes on protein structure and function (SIFT, PolyPhen-2, Align-GVGD) all suggest that this variant is likely to be tolerated. In summary, the available evidence is currently insufficient to determine the role of this variant in disease. Therefore, it has been classified as a Variant of Uncertain Significance. This variant has not been reported in the literature in individuals affected with B3GALNT2-related conditions. The frequency data for this variant in the population databases is considered unreliable, as metrics indicate insufficient coverage at this position in the ExAC database. This sequence change replaces valine with methionine at codon 6 of the B3GALNT2 protein (p.Val6Met). The valine residue is weakly conserved and there is a small physicochemical difference between valine and methionine.